The following is an entry in ClinVar:

ClinVar aggregate classification (germline): Uncertain significance (1 of 4 stars; one submission).

gnomAD v4.1: 1 of 1,601,008 alleles (0.000062%); highest among the groups gnomAD compares: Admixed American, 0.0018%; no homozygotes.

Submission:

Labcorp Genetics (formerly Invitae), Labcorp
Classification: Uncertain significance. Last evaluated: 2024-04-16. Review status: criteria provided, single submitter. Criteria: Invitae Variant Classification Sherloc (09022015). Collection method: clinical testing. Allele origin: germline.
Comment: This sequence change replaces leucine, which is neutral and non-polar, with phenylalanine, which is neutral and non-polar, at codon 418 of the CUL3 protein (p.Leu418Phe). This variant is present in population databases (no rsID available, gnomAD 0.003%). This variant has not been reported in the literature in individuals affected with CUL3-related conditions. Advanced modeling of protein sequence and biophysical properties (such as structural, functional, and spatial information, amino acid conservation, physicochemical variation, residue mobility, and thermodynamic stability) performed at Invitae indicates that this missense variant is not expected to disrupt CUL3 protein function with a negative predictive value of 80%. Algorithms developed to predict the effect of sequence changes on RNA splicing suggest that this variant may disrupt the consensus splice site. In summary, the available evidence is currently insufficient to determine the role of this variant in disease. Therefore, it has been classified as a Variant of Uncertain Significance.

NM_003590.5(CUL3):c.1252C>T (p.Leu418Phe)

Gene: CUL3 (cullin 3; minus strand). Cytogenetic location: 2q36.2.
Variant type: single nucleotide variant.
Coding change: c.1252C>T on transcript NM_003590.5 (MANE Select); coding-DNA position 1252, C replaced by T.
Protein change: p.Leu418Phe; replaces leucine 418 with phenylalanine.
Molecular consequence: missense variant.
Genome position (GRCh38, 1-based): chr2:224,503,777, G>A on the plus strand (C>T on the coding strand, the complement: CUL3 is on the minus strand). VCF-style: chr2-224503777-G-A. GRCh37 (hg19) VCF-style: chr2-225368494-G-A.
Other names: c.1054C>T, p.Leu352Phe (NM_001257197.2); c.1270C>T, p.Leu424Phe (NM_001257198.2); short protein forms L418F, L424F, L352F.
Identifiers: ClinVar variation 3633322 (VCV003633322.2).